The following is an entry in ClinVar:

ClinVar aggregate classification (germline): Uncertain significance. Review status: criteria provided, multiple submitters, no conflicts (2 of 4 stars). 2 submissions from 2 submitters: Uncertain significance (2). Last evaluated 2025-02-14.

Conditions:
Inborn genetic diseases. Identifiers: MedGen C0950123, MeSH D030342.

Allele frequency attached by ClinVar (database versions not stated): gnomAD 0.00004.
gnomAD v4.1: 73 of 1,614,094 alleles (0.0045%); highest among the groups gnomAD compares: Non-Finnish European, 0.0062%; no homozygotes.

Submissions (2):

Ambry Genetics
Classification: Uncertain significance for Inborn genetic diseases. Last evaluated: 2025-02-14. Review status: criteria provided, single submitter. Criteria: Ambry Variant Classification Scheme 2023. Collection method: clinical testing. Allele origin: germline.

Labcorp Genetics (formerly Invitae), Labcorp
Classification: Uncertain significance. Last evaluated: 2025-01-06. Review status: criteria provided, single submitter. Criteria: Invitae Variant Classification Sherloc (09022015). Collection method: clinical testing. Allele origin: germline.
Comment: This sequence change replaces alanine, which is neutral and non-polar, with serine, which is neutral and polar, at codon 55 of the GATAD2B protein (p.Ala55Ser). This variant is present in population databases (rs368469689, gnomAD 0.003%). This variant has not been reported in the literature in individuals affected with GATAD2B-related conditions. ClinVar contains an entry for this variant (Variation ID: 1388918). An algorithm developed to predict the effect of missense changes on protein structure and function (PolyPhen-2) suggests that this variant¬†is likely to be tolerated. In summary, the available evidence is currently insufficient to determine the role of this variant in disease. Therefore, it has been classified as a Variant of Uncertain Significance.

NM_020699.4(GATAD2B):c.163G>T (p.Ala55Ser)

Gene: GATAD2B (GATA zinc finger domain containing 2B; minus strand). Cytogenetic location: 1q21.3.
Variant type: single nucleotide variant.
Coding change: c.163G>T on transcript NM_020699.4 (MANE Select); coding-DNA position 163, G replaced by T.
Protein change: p.Ala55Ser; replaces alanine 55 with serine.
Molecular consequence: missense variant.
Genome position (GRCh38, 1-based): chr1:153,828,185, C>A on the plus strand (G>T on the coding strand, the complement: GATAD2B is on the minus strand). VCF-style: chr1-153828185-C-A. GRCh37 (hg19) VCF-style: chr1-153800661-C-A.
Other names: c.163G>T (NM_020699.2); short protein forms A55S.
Identifiers: ClinVar variation 1388918 (VCV001388918.6), dbSNP rs368469689, ClinGen allele CA1120920.
Genomic context (GRCh38, chr1:153,828,185, plus strand): 5'-AGCCCTTGACACCACTGCCATCCTGTTTGGTGGGTAACTCATGTGGCACCTCAAGATTTG[C>A]CAAATCCTTCCTTTTGAGCAATGCCAACATTTTCAGACGTTCCATGGCCTCATGCCCCTC-3'
Protein context (NP_065750.1, residues 45-65): MLALLKRKDL[Ala55Ser]NLEVPHELPT